The following is an entry in ClinVar:

ClinVar aggregate classification (germline): Uncertain significance (1 of 4 stars; one submission).

Submission:

GeneDx
Classification: Uncertain significance. Last evaluated: 2019-12-06. Review status: criteria provided, single submitter. Criteria: GeneDx Variant Classification Process June 2021. Collection method: clinical testing. Allele origin: germline. Affected: yes.
Comment: Not observed in large population cohorts (Lek et al., 2016); In silico analysis, which includes protein predictors and evolutionary conservation, supports a deleterious effect; Has not been previously published as pathogenic or benign to our knowledge

NM_206933.4(USH2A):c.2149T>C (p.Cys717Arg)

Gene: USH2A (usherin; minus strand). Cytogenetic location: 1q41.
Variant type: single nucleotide variant.
Coding change: c.2149T>C on transcript NM_206933.4 (MANE Select); coding-DNA position 2149, T replaced by C.
Protein change: p.Cys717Arg; replaces cysteine 717 with arginine.
Molecular consequence: missense variant.
Genome position (GRCh38, 1-based): chr1:216,250,921, A>G on the plus strand (T>C on the coding strand, the complement: USH2A is on the minus strand). VCF-style: chr1-216250921-A-G. GRCh37 (hg19) VCF-style: chr1-216424263-A-G.
Other names: c.2149T>C, p.Cys717Arg (NM_007123.6); short protein forms C717R.
Identifiers: ClinVar variation 1303214 (VCV001303214.2), dbSNP rs1304016981, ClinGen allele CA344866075.